The following is an entry in ClinVar:

NM_001369369.1(FOXN1):c.341G>A (p.Arg114Gln)

Gene: FOXN1 (forkhead box N1; plus strand). Cytogenetic location: 17q11.2.
Variant type: single nucleotide variant.
Coding change: c.341G>A on transcript NM_001369369.1 (MANE Select); coding-DNA position 341, G replaced by A.
Protein change: p.Arg114Gln; replaces arginine 114 with glutamine.
Molecular consequence: missense variant.
Genome position (GRCh38, 1-based): chr17:28,524,720, G>A. VCF-style: chr17-28524720-G-A. GRCh37 (hg19) VCF-style: chr17-26851738-G-A.
Other names: c.341G>A, p.Arg114Gln (NM_003593.3); short protein forms R114Q.
Identifiers: ClinVar variation 2174790 (VCV002174790.2), dbSNP rs1026597581, ClinGen allele CA289116237.

ClinVar aggregate classification (germline): Uncertain significance (1 of 4 stars; one submission).

Conditions:
T-cell immunodeficiency, congenital alopecia, and nail dystrophy. Also called: Congenital alopecia and nail dystrophy associated with severe functional T-cell immunodeficiency; Pignata Guarino syndrome. Identifiers: Orphanet 169095, MedGen C1866426, MONDO:0011132, OMIM 601705.

Allele frequency attached by ClinVar (database versions not stated): gnomAD exomes below 0.00001; gnomAD 0.00001; TOPMed 0.00003.
gnomAD v4.1: 8 of 1,612,356 alleles (0.0005%); highest among the groups gnomAD compares: African/African-American, 0.0027%; no homozygotes.

Submission:

Labcorp Genetics (formerly Invitae), Labcorp
Classification: Uncertain significance for T-cell immunodeficiency, congenital alopecia, and nail dystrophy. Last evaluated: 2025-11-13. Review status: criteria provided, single submitter. Criteria: Invitae Variant Classification Sherloc (09022015). Collection method: clinical testing. Allele origin: germline.
Comment: This sequence change replaces arginine, which is basic and polar, with glutamine, which is neutral and polar, at codon 114 of the FOXN1 protein (p.Arg114Gln). This variant is present in population databases (no rsID available, gnomAD 0.0009%). This variant has not been reported in the literature in individuals affected with FOXN1-related conditions. ClinVar contains an entry for this variant (Variation ID: 2174790). Invitae Evidence Modeling of protein sequence and biophysical properties (such as structural, functional, and spatial information, amino acid conservation, physicochemical variation, residue mobility, and thermodynamic stability) indicates that this missense variant is not expected to disrupt FOXN1 protein function with a negative predictive value of 80%. In summary, the available evidence is currently insufficient to determine the role of this variant in disease. Therefore, it has been classified as a Variant of Uncertain Significance.